The following is an entry in ClinVar:

ClinVar aggregate classification (germline): Uncertain significance (1 of 4 stars; one submission).

Conditions:
Retinitis pigmentosa 59 (RP59). Identifiers: Orphanet 791, MedGen C3151227, MONDO:0013468, OMIM 613861.

Allele frequency attached by ClinVar (database versions not stated): gnomAD 0.00001; ExAC 0.00002; TOPMed 0.00002.

Submission:

Labcorp Genetics (formerly Invitae), Labcorp
Classification: Uncertain significance for Retinitis pigmentosa 59. Last evaluated: 2022-08-05. Review status: criteria provided, single submitter. Criteria: Invitae Variant Classification Sherloc (09022015). Collection method: clinical testing. Allele origin: germline.
Comment: This sequence change replaces arginine, which is basic and polar, with glutamine, which is neutral and polar, at codon 63 of the DHDDS protein (p.Arg63Gln). This variant is present in population databases (rs747732826, gnomAD 0.007%). This variant has not been reported in the literature in individuals affected with DHDDS-related conditions. Algorithms developed to predict the effect of missense changes on protein structure and function (SIFT, PolyPhen-2, Align-GVGD) all suggest that this variant is likely to be tolerated. Algorithms developed to predict the effect of sequence changes on RNA splicing suggest that this variant may create or strengthen a splice site. In summary, the available evidence is currently insufficient to determine the role of this variant in disease. Therefore, it has been classified as a Variant of Uncertain Significance.

NM_205861.3(DHDDS):c.188G>A (p.Arg63Gln)

Gene: DHDDS (dehydrodolichyl diphosphate synthase subunit; plus strand). Cytogenetic location: 1p36.11.
Variant type: single nucleotide variant.
Coding change: c.188G>A on transcript NM_205861.3 (MANE Select); coding-DNA position 188, G replaced by A.
Protein change: p.Arg63Gln; replaces arginine 63 with glutamine.
Molecular consequence: missense variant. On other transcripts: 5 prime UTR variant (1).
Genome position (GRCh38, 1-based): chr1:26,442,738, G>A. VCF-style: chr1-26442738-G-A. GRCh37 (hg19) VCF-style: chr1-26769229-G-A.
Other names: c.188G>A, p.Arg63Gln (NM_001243564.2, NM_001243565.2, NM_024887.4); c.-92G>A (NM_001319959.2); short protein forms R63Q.
Identifiers: ClinVar variation 2150207 (VCV002150207.1), dbSNP rs747732826, ClinGen allele CA705270.